The following is an entry in ClinVar:

NM_001142864.4(PIEZO1):c.2181-7C>T

Genes: HSALR1 (HSP90AB1 associated lncRNA 1; plus strand), PIEZO1 (piezo type mechanosensitive ion channel component 1 (Er blood group); minus strand). Cytogenetic location: 16q24.3.
Variant type: single nucleotide variant.
Coding change: c.2181-7C>T on transcript NM_001142864.4 (MANE Select); 7 bases into the intron before coding-DNA position 2181, C replaced by T.
Molecular consequence: intron variant.
Genome position (GRCh38, 1-based): chr16:88,734,061, G>A on the plus strand (C>T on the coding strand, the complement: PIEZO1 is on the minus strand). VCF-style: chr16-88734061-G-A. GRCh37 (hg19) VCF-style: chr16-88800469-G-A.
Identifiers: ClinVar variation 3045584 (VCV003045584.4), dbSNP rs373528240, ClinGen allele CA8232843.

ClinVar aggregate classification (germline): Likely benign. Review status: criteria provided, multiple submitters, no conflicts (2 of 4 stars). 3 submissions from 3 submitters: Likely benign (2). 1 of the submissions does not count toward it. Last evaluated 2025-06-23.

Conditions:
PIEZO1-related disorder. Also called: PIEZO1-related condition; PIEZO1-Related Disorders.

Allele frequency attached by ClinVar (database versions not stated): TOPMed 0.00005; gnomAD 0.00010; 1000 Genomes Project 30x 0.00016; 1000 Genomes Project 0.00020; ExAC 0.00023.
gnomAD v4.1: 67 of 1,500,864 alleles (0.0045%); highest among the groups gnomAD compares: East Asian, 0.15%; no homozygotes.

Submissions (3):

Labcorp Genetics (formerly Invitae), Labcorp
Classification: Likely benign. Last evaluated: 2025-06-23. Review status: criteria provided, single submitter. Criteria: Invitae Variant Classification Sherloc (09022015). Collection method: clinical testing. Allele origin: germline.

Blueprint Genetics
Classification: Likely benign. Last evaluated: 2024-10-28. Review status: criteria provided, single submitter. Criteria: ACMG Guidelines, 2015. Collection method: clinical testing. Allele origin: germline.

PreventionGenetics, part of Exact Sciences
Classification: Likely benign for PIEZO1-related condition. Last evaluated: 2019-10-28. Review status: no assertion criteria provided. Collection method: clinical testing. Allele origin: germline. Not counted in ClinVar's aggregate classification.
Comment: This variant is classified as likely benign based on ACMG/AMP sequence variant interpretation guidelines (Richards et al. 2015 PMID: 25741868, with internal and published modifications).